The following is an entry in ClinVar:

ClinVar aggregate classification (germline): Benign. Review status: criteria provided, multiple submitters, no conflicts (2 of 4 stars). 2 submissions from 2 submitters: Benign (2). Last evaluated 2018-01-12.

Conditions:
Neuropathy, hereditary sensory and autonomic, type 1C. Also called: HSAN IC; HSN IC. Identifiers: Orphanet 36386, MedGen C3150896, MONDO:0013337, OMIM 613640.

Allele frequency attached by ClinVar (database versions not stated): 1000 Genomes Project 0.06510; 1000 Genomes Project 30x 0.06558; gnomAD exomes 0.07222; TOPMed 0.08291; gnomAD 0.08358 and 0.08565.
gnomAD v4.1: 21,270 of 270,646 alleles (7.9%); highest among the groups gnomAD compares: African/African-American, 12%; 991 homozygotes.

Submissions (2):

Illumina Laboratory Services, Illumina
Classification: Benign for Neuropathy, hereditary sensory and autonomic, type 1C. Last evaluated: 2018-01-12. Review status: criteria provided, single submitter. Criteria: ICSL Variant Classification Criteria 13 December 2019. Collection method: clinical testing. Allele origin: germline.
Comment: This variant was observed in the ICSL laboratory as part of a predisposition screen in an ostensibly healthy population. It had not been previously curated by ICSL or reported in the Human Gene Mutation Database (HGMD: prior to June 1st, 2018), and was therefore a candidate for classification through an automated scoring system. Utilizing variant allele frequency, disease prevalence and penetrance estimates, and inheritance mode, an automated score was calculated to assess if this variant is too frequent to cause the disease. Based on the score and internal cut-off values, a variant classified as benign is not then subjected to further curation. The score for this variant resulted in a classification of benign for this disease.

Breakthrough Genomics
Classification: Benign. Review status: criteria provided, single submitter. Criteria: ACMG Guidelines, 2015. Collection method: not provided. Allele origin: germline. Inheritance: Autosomal dominant inheritance. Affected: yes.

NM_004863.4(SPTLC2):c.*2702G>A

Gene: SPTLC2 (serine palmitoyltransferase long chain base subunit 2; minus strand). Cytogenetic location: 14q24.3.
Variant type: single nucleotide variant.
Coding change: c.*2702G>A on transcript NM_004863.4 (MANE Select); 2702 bases downstream of the stop codon, G replaced by A.
Molecular consequence: 3 prime UTR variant.
Genome position (GRCh38, 1-based): chr14:77,509,582, C>T on the plus strand (G>A on the coding strand, the complement: SPTLC2 is on the minus strand). VCF-style: chr14-77509582-C-T. GRCh37 (hg19) VCF-style: chr14-77975925-C-T.
Identifiers: ClinVar variation 314622 (VCV000314622.6), dbSNP rs10147023, ClinGen allele CA10645077.